The following is an entry in ClinVar:

NM_001165963.4(SCN1A):c.1333C>T (p.Gln445Ter)

Gene: SCN1A (sodium voltage-gated channel alpha subunit 1; minus strand). Cytogenetic location: 2q24.3.
Variant type: single nucleotide variant.
Coding change: c.1333C>T on transcript NM_001165963.4 (MANE Select); coding-DNA position 1333, C replaced by T.
Protein change: p.Gln445Ter; replaces glutamine 445 with a stop codon.
Molecular consequence: nonsense. On other transcripts: 5 prime UTR variant (1), non-coding transcript variant (1).
Genome position (GRCh38, 1-based): chr2:166,046,814, G>A on the plus strand (C>T on the coding strand, the complement: SCN1A is on the minus strand). VCF-style: chr2-166046814-G-A. GRCh37 (hg19) VCF-style: chr2-166903324-G-A.
Other names: c.1333C>T, p.Gln445Ter (NM_001165964.3, NM_001202435.3, NM_001353948.2 and 10 more transcripts); c.-1093C>T (NM_001353961.2); short protein forms Q445*.
Identifiers: ClinVar variation 4075465 (VCV004075465.1).

ClinVar aggregate classification (germline): Pathogenic (1 of 4 stars; one submission).

Submission:

GeneDx
Classification: Pathogenic. Last evaluated: 2025-02-16. Review status: criteria provided, single submitter. Criteria: GeneDx Variant Classification Process June 2021. Collection method: clinical testing. Allele origin: germline. Affected: yes.
Comment: Identified in a proband with Dravet syndrome; however parental testing was not performed (PMID: 27045673); Nonsense variant predicted to result in protein truncation or nonsense mediated decay in a gene for which loss of function is a known mechanism of disease; Not observed at significant frequency in large population cohorts (gnomAD); This variant is associated with the following publications: (PMID: 27045673)